The following is an entry in ClinVar:

NM_018062.4(FANCL):c.670A>G (p.Thr224Ala)

Gene: FANCL (FA complementation group L; minus strand). Cytogenetic location: 2p16.1.
Variant type: single nucleotide variant.
Coding change: c.670A>G on transcript NM_018062.4 (MANE Select); coding-DNA position 670, A replaced by G.
Protein change: p.Thr224Ala; replaces threonine 224 with alanine.
Molecular consequence: missense variant.
Genome position (GRCh38, 1-based): chr2:58,165,745, T>C on the plus strand (A>G on the coding strand, the complement: FANCL is on the minus strand). VCF-style: chr2-58165745-T-C. GRCh37 (hg19) VCF-style: chr2-58392880-T-C.
Other names: c.685A>G, p.Thr229Ala (NM_001114636.2); c.715A>G, p.Thr239Ala (NM_001374615.1); c.730A>G, p.Thr244Ala (NM_001410792.1); short protein forms T224A, T229A, T239A, T244A.
Identifiers: ClinVar variation 241252 (VCV000241252.49), dbSNP rs149731356, ClinGen allele CA1670528.

ClinVar aggregate classification (germline): Benign/Likely benign. Review status: criteria provided, multiple submitters, no conflicts (2 of 4 stars). 10 submissions from 10 submitters: Benign (3); Likely benign (7). Last evaluated 2026-07-01.

Conditions:
Fanconi anemia (FA). Also called: Fanconi's anemia. Identifiers: Orphanet 84, MedGen C0015625, MeSH D005199, MONDO:0019391.
Fanconi anemia complementation group L (FANCL). Also called: FANCL-Related Fanconi Anemia. Identifiers: Orphanet 84, MedGen C3469528, MONDO:0013566, OMIM 614083.

Allele frequency attached by ClinVar (database versions not stated): ESP Exome Variant Server 0.00046; TOPMed 0.00058; gnomAD exomes 0.00173 and 0.00428; 1000 Genomes Project 30x 0.00203; 1000 Genomes Project 0.00260; gnomAD 0.00354 and 0.00355; ExAC 0.00444.
gnomAD v4.1: 3,087 of 1,614,096 alleles (0.19%); highest among the groups gnomAD compares: East Asian, 0.66%; 37 homozygotes.

Submissions (10):

CeGaT Center for Human Genetics Tuebingen
Classification: Likely benign. Last evaluated: 2026-07-01. Review status: criteria provided, single submitter. Criteria: CeGaT Center For Human Genetics Tuebingen Variant Classification Criteria Version 2. Collection method: clinical testing. Allele origin: germline. Affected: yes. Observed: 3 variant alleles.
Comment: FANCL: BP4, BS2

Labcorp Genetics (formerly Invitae), Labcorp
Classification: Benign for Fanconi anemia. Last evaluated: 2026-01-24. Review status: criteria provided, single submitter. Criteria: Invitae Variant Classification Sherloc (09022015). Collection method: clinical testing. Allele origin: germline.

Blueprint Genetics
Classification: Likely benign. Last evaluated: 2024-11-26. Review status: criteria provided, single submitter. Criteria: ACMG Guidelines, 2015. Collection method: clinical testing. Allele origin: germline.

KCCC/NGS Laboratory, Kuwait Cancer Control Center
Classification: Benign for Fanconi anemia complementation group L. Last evaluated: 2023-07-07. Review status: criteria provided, single submitter. Criteria: ACMG Guidelines, 2015. Collection method: clinical testing. Allele origin: germline. Affected: yes.

Fulgent Genetics
Classification: Likely benign for Fanconi anemia complementation group L. Last evaluated: 2022-04-21. Review status: criteria provided, single submitter. Criteria: ACMG Guidelines, 2015. Collection method: clinical testing. Allele origin: unknown.

Sema4
Classification: Benign for Fanconi anemia. Last evaluated: 2021-07-07. Review status: criteria provided, single submitter. Criteria: Sema4 Curation Guidelines. Collection method: curation. Allele origin: germline.

GeneDx
Classification: Likely benign. Last evaluated: 2021-06-03. Review status: criteria provided, single submitter. Criteria: GeneDx Variant Classification Process June 2021. Collection method: clinical testing. Allele origin: germline. Affected: yes.
Comment: This variant is associated with the following publications: (PMID: 23973728, 21279724, 24459294)

Illumina Laboratory Services, Illumina
Classification: Likely benign for Fanconi anemia complementation group L. Last evaluated: 2018-01-12. Review status: criteria provided, single submitter. Criteria: ICSL Variant Classification Criteria 13 December 2019. Collection method: clinical testing. Allele origin: germline.
Comment: This variant was observed in the ICSL laboratory as part of a predisposition screen in an ostensibly healthy population. It had not been previously curated by ICSL or reported in the Human Gene Mutation Database (HGMD: prior to June 1st, 2018), and was therefore a candidate for classification through an automated scoring system. Utilizing variant allele frequency, disease prevalence and penetrance estimates, and inheritance mode, an automated score was calculated to assess if this variant is too frequent to cause the disease. Based on the score and internal cut-off values, a variant classified as likely benign is not then subjected to further curation. The score for this variant resulted in a classification of likely benign for this disease.

Center for Pediatric Genomic Medicine, Children's Mercy Hospital and Clinics
Classification: Likely benign. Last evaluated: 2017-03-29. Review status: criteria provided, single submitter. Criteria: ACMG Guidelines, 2015. Collection method: clinical testing. Allele origin: germline.

Genetic Services Laboratory, University of Chicago
Classification: Likely benign. Last evaluated: 2016-04-20. Review status: criteria provided, single submitter. Criteria: ACMG Guidelines, 2015. Collection method: clinical testing. Allele origin: germline. Affected: no.